The following is an entry in ClinVar:

NM_006231.4(POLE):c.3572G>A (p.Gly1191Asp)

Gene: POLE (DNA polymerase epsilon, catalytic subunit; minus strand). Cytogenetic location: 12q24.33.
Variant type: single nucleotide variant.
Coding change: c.3572G>A on transcript NM_006231.4 (MANE Select); coding-DNA position 3572, G replaced by A.
Protein change: p.Gly1191Asp; replaces glycine 1191 with aspartic acid.
Molecular consequence: missense variant.
Genome position (GRCh38, 1-based): chr12:132,657,146, C>T on the plus strand (G>A on the coding strand, the complement: POLE is on the minus strand). VCF-style: chr12-132657146-C-T. GRCh37 (hg19) VCF-style: chr12-133233732-C-T.
Other names: short protein forms G1191D.
Identifiers: ClinVar variation 1003131 (VCV001003131.11), dbSNP rs1429556469, ClinGen allele CA387388315.

ClinVar aggregate classification (germline): Uncertain significance. Review status: criteria provided, multiple submitters, no conflicts (2 of 4 stars). 2 submissions from 2 submitters: Uncertain significance (2). Last evaluated 2023-09-15.

Conditions:
Hereditary cancer-predisposing syndrome. Also called: Hereditary neoplastic syndrome; Neoplastic Syndromes, Hereditary; Tumor predisposition; Hereditary Cancer Syndrome. Identifiers: Orphanet 140162, MedGen C0027672, MeSH D009386, MONDO:0015356.

gnomAD v4.1: 4 of 1,614,010 alleles (0.00025%); highest among the groups gnomAD compares: Non-Finnish European, 0.00034%; no homozygotes.

Submissions (2):

Labcorp Genetics (formerly Invitae), Labcorp
Classification: Uncertain significance. Last evaluated: 2023-09-15. Review status: criteria provided, single submitter. Criteria: Invitae Variant Classification Sherloc (09022015). Collection method: clinical testing. Allele origin: germline.
Comment: This sequence change replaces glycine, which is neutral and non-polar, with aspartic acid, which is acidic and polar, at codon 1191 of the POLE protein (p.Gly1191Asp). This variant is not present in population databases (gnomAD no frequency). This variant has not been reported in the literature in individuals affected with POLE-related conditions. ClinVar contains an entry for this variant (Variation ID: 1003131). Advanced modeling of protein sequence and biophysical properties (such as structural, functional, and spatial information, amino acid conservation, physicochemical variation, residue mobility, and thermodynamic stability) performed at Invitae indicates that this missense variant is not expected to disrupt POLE protein function. In summary, the available evidence is currently insufficient to determine the role of this variant in disease. Therefore, it has been classified as a Variant of Uncertain Significance.

Ambry Genetics
Classification: Uncertain significance for Hereditary cancer-predisposing syndrome. Last evaluated: 2021-07-03. Review status: criteria provided, single submitter. Criteria: Ambry Variant Classification Scheme 2023. Collection method: clinical testing. Allele origin: germline.
Comment: The p.G1191D variant (also known as c.3572G>A), located in coding exon 29 of the POLE gene, results from a G to A substitution at nucleotide position 3572. The glycine at codon 1191 is replaced by aspartic acid, an amino acid with similar properties. This amino acid position is conserved. In addition, the in silico prediction for this alteration is inconclusive. Since supporting evidence is limited at this time, the clinical significance of this alteration remains unclear.